The following is an entry in ClinVar:

NM_001206999.2(CIT):c.1437G>A (p.Val479=)

Gene: CIT (citron rho-interacting serine/threonine kinase; minus strand). Cytogenetic location: 12q24.23.
Variant type: single nucleotide variant.
Coding change: c.1437G>A on transcript NM_001206999.2 (MANE Select); coding-DNA position 1437, G replaced by A.
Protein change: p.Val479=; no amino-acid change (valine 479 retained).
Molecular consequence: synonymous variant.
Genome position (GRCh38, 1-based): chr12:119,784,016, C>T on the plus strand (G>A on the coding strand, the complement: CIT is on the minus strand). VCF-style: chr12-119784016-C-T. GRCh37 (hg19) VCF-style: chr12-120221820-C-T.
Other names: c.1437G>A, p.Val479= (NM_007174.3).
Identifiers: ClinVar variation 2643392 (VCV002643392.24), dbSNP rs2502223461, ClinGen allele CA482063360.
Genomic context (GRCh38, chr12:119,784,016, plus strand): 5'-CTGAGTCTCAGAGGCCTTCAGCTCCACCTCCTTCTGACTAAGCACAGCCTCCACCTCTGA[C>T]ACTCTCCGATGTAACCGGGTCATTTCCTGCTCCATCTGAAATAAACACATCGACAGGTTA-3'
Protein context (NP_001193928.1, residues 469-489): EQEMTRLHRR[Val479=]SEVEAVLSQK

ClinVar aggregate classification (germline): Likely benign (1 of 4 stars; one submission).

Submission:

CeGaT Center for Human Genetics Tuebingen
Classification: Likely benign. Last evaluated: 2023-03-01. Review status: criteria provided, single submitter. Criteria: CeGaT Center For Human Genetics Tuebingen Variant Classification Criteria Version 2. Collection method: clinical testing. Allele origin: germline. Affected: yes. Observed: 1 variant allele.
Comment: CIT: PM2:Supporting, BP4, BP7